The following is an entry in ClinVar:

NM_001194.4(HCN2):c.1355C>T (p.Ala452Val)

Gene: HCN2 (hyperpolarization activated cyclic nucleotide gated potassium and sodium channel 2; plus strand). Cytogenetic location: 19p13.3.
Variant type: single nucleotide variant.
Coding change: c.1355C>T on transcript NM_001194.4 (MANE Select); coding-DNA position 1355, C replaced by T.
Protein change: p.Ala452Val; replaces alanine 452 with valine.
Molecular consequence: missense variant.
Genome position (GRCh38, 1-based): chr19:608,100, C>T. VCF-style: chr19-608100-C-T. GRCh37 (hg19) VCF-style: chr19-608100-C-T.
Other names: short protein forms A452V.
Identifiers: ClinVar variation 3345026 (VCV003345026.1).

ClinVar aggregate classification (germline): Uncertain significance (0 of 4 stars; one submission).

Conditions:
HCN2-related disorder. Also called: HCN2-related condition.

Submission:

PreventionGenetics, part of Exact Sciences
Classification: Uncertain significance for HCN2-related condition. Last evaluated: 2024-05-17. Review status: no assertion criteria provided. Collection method: clinical testing. Allele origin: germline.
Comment: The HCN2 c.1355C>T variant is predicted to result in the amino acid substitution p.Ala452Val. To our knowledge, this variant has not been reported in the literature or in a large population database, indicating this variant is rare. At this time, the clinical significance of this variant is uncertain due to the absence of conclusive functional and genetic evidence.